The following is an entry in ClinVar:

ClinVar aggregate classification (germline): Uncertain significance. Review status: criteria provided, multiple submitters, no conflicts (2 of 4 stars). 2 submissions from 2 submitters: Uncertain significance (2). Last evaluated 2022-08-18.

Conditions:
Inborn genetic diseases. Identifiers: MedGen C0950123, MeSH D030342.

Allele frequency attached by ClinVar (database versions not stated): TOPMed 0.00001; ExAC 0.00002; gnomAD exomes 0.00002; ESP Exome Variant Server 0.00008.
gnomAD v4.1: 35 of 1,614,136 alleles (0.0022%); highest among the groups gnomAD compares: Non-Finnish European, 0.0022%; no homozygotes.

Submissions (2):

Ambry Genetics
Classification: Uncertain significance for Inborn genetic diseases. Last evaluated: 2022-08-18. Review status: criteria provided, single submitter. Criteria: Ambry Variant Classification Scheme 2023. Collection method: clinical testing. Allele origin: germline.

Labcorp Genetics (formerly Invitae), Labcorp
Classification: Uncertain significance. Last evaluated: 2022-02-09. Review status: criteria provided, single submitter. Criteria: Invitae Variant Classification Sherloc (09022015). Collection method: clinical testing. Allele origin: germline.
Comment: This variant has not been reported in the literature in individuals affected with CPLANE1-related conditions. This variant is present in population databases (rs141413425, gnomAD 0.009%). This sequence change replaces proline, which is neutral and non-polar, with histidine, which is basic and polar, at codon 2131 of the CPLANE1 protein (p.Pro2131His). In summary, the available evidence is currently insufficient to determine the role of this variant in disease. Therefore, it has been classified as a Variant of Uncertain Significance. Advanced modeling of protein sequence and biophysical properties (such as structural, functional, and spatial information, amino acid conservation, physicochemical variation, residue mobility, and thermodynamic stability) performed at Invitae indicates that this missense variant is not expected to disrupt CPLANE1 protein function.

NM_001384732.1(CPLANE1):c.6392C>A (p.Pro2131His)

Gene: CPLANE1 (ciliogenesis and planar polarity effector complex subunit 1; minus strand). Cytogenetic location: 5p13.2.
Variant type: single nucleotide variant.
Coding change: c.6392C>A on transcript NM_001384732.1 (MANE Select); coding-DNA position 6392, C replaced by A.
Protein change: p.Pro2131His; replaces proline 2131 with histidine.
Molecular consequence: missense variant.
Genome position (GRCh38, 1-based): chr5:37,170,111, G>T on the plus strand (C>A on the coding strand, the complement: CPLANE1 is on the minus strand). VCF-style: chr5-37170111-G-T. GRCh37 (hg19) VCF-style: chr5-37170213-G-T.
Other names: c.6392C>A, p.Pro2131His (NM_023073.4); c.6392C>A (NM_023073.3); short protein forms P2131H.
Identifiers: ClinVar variation 2080011 (VCV002080011.3), dbSNP rs141413425, ClinGen allele CA3238270.